The following is an entry in ClinVar:

ClinVar aggregate classification (germline): Pathogenic (1 of 4 stars; one submission).

Conditions:
Wilson disease (WND). Also called: Wilson's disease. Identifiers: Orphanet 905, MedGen C0019202, MONDO:0010200, OMIM 277900. Disease mechanism: loss of function.

Submission:

Labcorp Genetics (formerly Invitae), Labcorp
Classification: Pathogenic for Wilson disease. Last evaluated: 2023-08-07. Review status: criteria provided, single submitter. Criteria: Invitae Variant Classification Sherloc (09022015). Collection method: clinical testing. Allele origin: germline.
Comment: This variant is not present in population databases (gnomAD no frequency). This sequence change creates a premature translational stop signal (p.Gly330Valfs*34) in the ATP7B gene. It is expected to result in an absent or disrupted protein product. Loss-of-function variants in ATP7B are known to be pathogenic (PMID: 10441329, 16283883). This variant has not been reported in the literature in individuals affected with ATP7B-related conditions. For these reasons, this variant has been classified as Pathogenic.

Literature cited by the submitters: PubMed 10441329; PubMed 16283883.

NM_000053.4(ATP7B):c.987_988dup (p.Gly330fs)

Gene: ATP7B (ATPase copper transporting beta; minus strand). Cytogenetic location: 13q14.3.
Variant type: Duplication.
Coding change: c.987_988dup on transcript NM_000053.4 (MANE Select); coding-DNA positions 987 to 988, 2 bases duplicated (TG; older notation c.987_988dupTG).
Protein change: p.Gly330fs; shifts the reading frame from glycine 330.
Molecular consequence: frameshift variant. On other transcripts: intron variant (2).
Genome position (GRCh38, 1-based): chr13:51,974,232-51,974,233, CA duplicated on the plus strand (TG on the coding strand, the reverse complement: ATP7B is on the minus strand). VCF-style (leftmost placement, unchanged base first): chr13-51974231-C-CCA. GRCh37 (hg19) VCF-style: chr13-52548367-C-CCA.
Other names: c.987_988dup, p.Gly330fs (NM_001005918.3, NM_001330578.2, NM_001330579.2 and 29 more transcripts); c.891_892dup, p.Gly298fs (NM_001406530.1, NM_001406517.1, NM_001406518.1 and 3 more transcripts); c.803-149_803-148dup (NM_001243182.2); c.707-149_707-148dup (NM_001406539.1); short protein forms G298fs, G330fs.
Identifiers: ClinVar variation 2750976 (VCV002750976.3), dbSNP rs2547816289, ClinGen allele CA2697551883.